The following is an entry in ClinVar:

NM_000124.4(ERCC6):c.4261A>G (p.Thr1421Ala)

Gene: ERCC6 (ERCC excision repair 6, chromatin remodeling factor; minus strand). Cytogenetic location: 10q11.23.
Variant type: single nucleotide variant.
Coding change: c.4261A>G on transcript NM_000124.4 (MANE Select); coding-DNA position 4261, A replaced by G.
Protein change: p.Thr1421Ala; replaces threonine 1421 with alanine.
Molecular consequence: missense variant.
Genome position (GRCh38, 1-based): chr10:49,459,036, T>C on the plus strand (A>G on the coding strand, the complement: ERCC6 is on the minus strand). VCF-style: chr10-49459036-T-C. GRCh37 (hg19) VCF-style: chr10-50667082-T-C.
Other names: c.4261A>G (NM_000124.3); c.4261A>G, p.Thr1421Ala (NM_001346440.2); short protein forms T1421A.
Identifiers: ClinVar variation 2417130 (VCV002417130.4), dbSNP rs771692143, ClinGen allele CA5495141.

ClinVar aggregate classification (germline): Uncertain significance. Review status: criteria provided, multiple submitters, no conflicts (2 of 4 stars). 2 submissions from 2 submitters: Uncertain significance (2). Last evaluated 2025-10-15.

Conditions:
ERCC6-related disorder. Also called: ERCC6-related disorders; ERCC6-related condition. Identifiers: MedGen CN239385.

Allele frequency attached by ClinVar (database versions not stated): TOPMed below 0.00001; gnomAD exomes 0.00001; ExAC 0.00002.
gnomAD v4.1: 12 of 1,614,190 alleles (0.00074%); highest among the groups gnomAD compares: Non-Finnish European, 0.001%; no homozygotes.

Submissions (2):

PreventionGenetics, part of Exact Sciences
Classification: Uncertain significance for ERCC6-related condition. Last evaluated: 2025-10-15. Review status: criteria provided, single submitter. Criteria: ACMG Guidelines, 2015. Collection method: clinical testing. Allele origin: germline.
Comment: The ERCC6 c.4261A>G variant is predicted to result in the amino acid substitution p.Thr1421Ala. To our knowledge, this variant has not been reported in the literature. This variant is reported in 0.0026% of alleles in individuals of European (Non-Finnish) descent in gnomAD. At this time, the clinical significance of this variant is uncertain due to the absence of conclusive functional and genetic evidence.

Labcorp Genetics (formerly Invitae), Labcorp
Classification: Uncertain significance. Last evaluated: 2022-06-23. Review status: criteria provided, single submitter. Criteria: Invitae Variant Classification Sherloc (09022015). Collection method: clinical testing. Allele origin: germline.
Comment: This sequence change replaces threonine, which is neutral and polar, with alanine, which is neutral and non-polar, at codon 1421 of the ERCC6 protein (p.Thr1421Ala). This variant is present in population databases (rs771692143, gnomAD 0.002%). This variant has not been reported in the literature in individuals affected with ERCC6-related conditions. Algorithms developed to predict the effect of missense changes on protein structure and function output the following: SIFT: "Tolerated"; PolyPhen-2: "Benign"; Align-GVGD: "Class C0". The alanine amino acid residue is found in multiple mammalian species, which suggests that this missense change does not adversely affect protein function. In summary, the available evidence is currently insufficient to determine the role of this variant in disease. Therefore, it has been classified as a Variant of Uncertain Significance.